The following is an entry in ClinVar:

ClinVar aggregate classification (germline): Uncertain significance. Review status: criteria provided, multiple submitters, no conflicts (2 of 4 stars). 2 submissions from 2 submitters: Uncertain significance (2). Last evaluated 2026-06-04.

Conditions:
CDH23-related disorder. Also called: CDH23-related condition; CDH23-related disorders.

Allele frequency attached by ClinVar (database versions not stated): gnomAD 0.00001; TOPMed 0.00002.
gnomAD v4.1: 8 of 1,613,810 alleles (0.0005%); highest among the groups gnomAD compares: Middle Eastern, 0.016%; no homozygotes.

Submissions (2):

PreventionGenetics, part of Exact Sciences
Classification: Uncertain significance for CDH23-related condition. Last evaluated: 2026-06-04. Review status: criteria provided, single submitter. Criteria: ACMG Guidelines, 2015. Collection method: clinical testing. Allele origin: germline.
Comment: The CDH23 c.3193G>A variant is predicted to result in the amino acid substitution p.Ala1065Thr. To our knowledge, this variant has not been reported in the literature or in a large population database (gnomAD), indicating this variant is rare. At this time, the clinical significance of this variant is uncertain due to the absence of conclusive functional and genetic evidence.

Labcorp Genetics (formerly Invitae), Labcorp
Classification: Uncertain significance. Last evaluated: 2021-12-27. Review status: criteria provided, single submitter. Criteria: Invitae Variant Classification Sherloc (09022015). Collection method: clinical testing. Allele origin: germline.
Comment: This sequence change replaces alanine, which is neutral and non-polar, with threonine, which is neutral and polar, at codon 1065 of the CDH23 protein (p.Ala1065Thr). This variant is not present in population databases (gnomAD no frequency). This variant has not been reported in the literature in individuals affected with CDH23-related conditions. Algorithms developed to predict the effect of missense changes on protein structure and function output the following: SIFT: "Tolerated"; PolyPhen-2: "Not Available"; Align-GVGD: "Class C0". The threonine amino acid residue is found in multiple mammalian species, which suggests that this missense change does not adversely affect protein function. In summary, the available evidence is currently insufficient to determine the role of this variant in disease. Therefore, it has been classified as a Variant of Uncertain Significance.

NM_022124.6(CDH23):c.3193G>A (p.Ala1065Thr)

Gene: CDH23 (cadherin related 23; plus strand). Cytogenetic location: 10q22.1.
Variant type: single nucleotide variant.
Coding change: c.3193G>A on transcript NM_022124.6 (MANE Select); coding-DNA position 3193, G replaced by A.
Protein change: p.Ala1065Thr; replaces alanine 1065 with threonine.
Molecular consequence: missense variant.
Genome position (GRCh38, 1-based): chr10:71,709,184, G>A. VCF-style: chr10-71709184-G-A. GRCh37 (hg19) VCF-style: chr10-73468941-G-A.
Other names: c.3193G>A, p.Ala1065Thr (NM_001171930.2); c.3193G>A (NM_022124.5); short protein forms A1065T.
Identifiers: ClinVar variation 2147210 (VCV002147210.2), dbSNP rs1300171512, ClinGen allele CA377143363.